The following is an entry in ClinVar:

NM_001297.5(CNGB1):c.413-1G>C

Gene: CNGB1 (cyclic nucleotide gated channel subunit beta 1; minus strand). Cytogenetic location: 16q21.
Variant type: single nucleotide variant.
Coding change: c.413-1G>C on transcript NM_001297.5 (MANE Select); the canonical splice acceptor site of the intron before coding-DNA position 413, G replaced by C.
Molecular consequence: splice acceptor variant.
Genome position (GRCh38, 1-based): chr16:57,962,611, C>G on the plus strand (G>C on the coding strand, the complement: CNGB1 is on the minus strand). VCF-style: chr16-57962611-C-G. GRCh37 (hg19) VCF-style: chr16-57996515-C-G.
Other names: c.413-1G>C (NM_001286130.2, NM_001135639.2).
Identifiers: ClinVar variation 3028403 (VCV003028403.4), dbSNP rs189234741, ClinGen allele CA8083832.

ClinVar aggregate classification (germline): Conflicting classifications of pathogenicity. Review status: criteria provided, conflicting classifications (1 of 4 stars). 3 submissions from 3 submitters: Pathogenic (1); Uncertain significance (2). Last evaluated 2025-12-21.

Conditions:
Retinal dystrophy. Also called: Inherited retinal dystrophy. Identifiers: Orphanet 71862, MedGen C0854723, MeSH D058499, MONDO:0019118, HP:0000556.

gnomAD v4.1: 14 of 1,614,014 alleles (0.00087%); highest among the groups gnomAD compares: East Asian, 0.029%; no homozygotes.

Submissions (3):

Labcorp Genetics (formerly Invitae), Labcorp
Classification: Pathogenic. Last evaluated: 2025-12-21. Review status: criteria provided, single submitter. Criteria: Invitae Variant Classification Sherloc (09022015). Collection method: clinical testing. Allele origin: germline.
Comment: This sequence change affects an acceptor splice site in intron 6 of the CNGB1 gene. It is expected to disrupt RNA splicing. Variants that disrupt the donor or acceptor splice site typically lead to a loss of protein function (PMID: 16199547), and loss-of-function variants in CNGB1 are known to be pathogenic (PMID: 15557452, 24043777). This variant is present in population databases (rs189234741, gnomAD 0.006%). Disruption of this splice site has been observed in individuals with retinitis pigmentosa (PMID: 25943428; internal data). ClinVar contains an entry for this variant (Variation ID: 3028403). Algorithms developed to predict the effect of sequence changes on RNA splicing suggest that this variant may disrupt the consensus splice site. For these reasons, this variant has been classified as Pathogenic.

Dasa
Classification: Uncertain significance. Last evaluated: 2024-12-30. Review status: criteria provided, single submitter. Criteria: DASA Assertion Criteria. Collection method: clinical testing. Allele origin: germline.
Comment: NM_001297.5(CNGB1):c.413-1G>C affects a canonical splice site and is predicted to disrupt normal RNA splicing. This variant is rare in population databases. The currently available literature and clinical evidence are not sufficient to establish a definitive association between this variant and the reported condition. Therefore, this variant is classified as a variant of uncertain significance.

Dept Of Ophthalmology, Nagoya University
Classification: Uncertain significance for Retinal dystrophy. Last evaluated: 2023-10-01. Review status: criteria provided, single submitter. Criteria: Submitter's publication. Collection method: research. Allele origin: germline. Affected: yes.

Literature cited by the submitters: PubMed 16199547 (cited by Labcorp Genetics (formerly Invitae), Labcorp); PubMed 15557452 (cited by Labcorp Genetics (formerly Invitae), Labcorp); PubMed 24043777 (cited by Labcorp Genetics (formerly Invitae), Labcorp); PubMed 25943428 (cited by Labcorp Genetics (formerly Invitae), Labcorp).